The following is an entry in ClinVar:

NM_001044385.3(TMEM237):c.44G>A (p.Arg15His)

Gene: TMEM237 (transmembrane protein 237; minus strand). Cytogenetic location: 2q33.1.
Variant type: single nucleotide variant.
Coding change: c.44G>A on transcript NM_001044385.3 (MANE Select); coding-DNA position 44, G replaced by A.
Protein change: p.Arg15His; replaces arginine 15 with histidine.
Molecular consequence: missense variant.
Genome position (GRCh38, 1-based): chr2:201,640,923, C>T on the plus strand (G>A on the coding strand, the complement: TMEM237 is on the minus strand). VCF-style: chr2-201640923-C-T. GRCh37 (hg19) VCF-style: chr2-202505646-C-T.
Other names: c.20G>A, p.Arg7His (NM_152388.4); short protein forms R15H, R7H.
Identifiers: ClinVar variation 2051567 (VCV002051567.5), dbSNP rs560695891, ClinGen allele CA2056626.
Genomic context (GRCh38, chr2:201,640,923, plus strand): 5'-AATAATGAAATTACTGTAAATTATTTTTACCTTGGCACAGGTGGAAGAGCTCGTGGAGGA[C>T]GCTGTGGCGGAAAAAATAAATTTGCTTGTAAGTAAAAGCCTAGAGCATCTTTACTTCAAA-3'
Protein context (NP_001037850.1, residues 5-25): SGARLEEGHL[Arg15His]PPRALPPVPS

ClinVar aggregate classification (germline): Uncertain significance. Review status: criteria provided, multiple submitters, no conflicts (2 of 4 stars). 3 submissions from 3 submitters: Uncertain significance (3). Last evaluated 2025-08-11.

Conditions:
Inborn genetic diseases. Identifiers: MedGen C0950123, MeSH D030342.
Joubert syndrome 14 (JBTS14). Identifiers: MedGen C3280766, MONDO:0013745, OMIM 614424.

Allele frequency attached by ClinVar (database versions not stated): TOPMed 0.00002; ExAC 0.00003; gnomAD 0.00005; 1000 Genomes Project 30x 0.00016; 1000 Genomes Project 0.00020.
gnomAD v4.1: 49 of 1,600,752 alleles (0.0031%); highest among the groups gnomAD compares: Non-Finnish European, 0.0036%; no homozygotes.

Submissions (3):

Ambry Genetics
Classification: Uncertain significance for Inborn genetic diseases. Last evaluated: 2025-08-11. Review status: criteria provided, single submitter. Criteria: Ambry Variant Classification Scheme 2023. Collection method: clinical testing. Allele origin: germline.

Fulgent Genetics
Classification: Uncertain significance for Joubert syndrome 14. Last evaluated: 2024-02-07. Review status: criteria provided, single submitter. Criteria: ACMG Guidelines, 2015. Collection method: clinical testing. Allele origin: germline.

Labcorp Genetics (formerly Invitae), Labcorp
Classification: Uncertain significance for Joubert syndrome 14. Last evaluated: 2023-11-27. Review status: criteria provided, single submitter. Criteria: Invitae Variant Classification Sherloc (09022015). Collection method: clinical testing. Allele origin: germline.
Comment: This sequence change replaces arginine, which is basic and polar, with histidine, which is basic and polar, at codon 15 of the TMEM237 protein (p.Arg15His). This variant is present in population databases (rs560695891, gnomAD 0.005%). This variant has not been reported in the literature in individuals affected with TMEM237-related conditions. ClinVar contains an entry for this variant (Variation ID: 2051567). Algorithms developed to predict the effect of missense changes on protein structure and function output the following: SIFT: "Not Available"; PolyPhen-2: "Benign"; Align-GVGD: "Not Available". The histidine amino acid residue is found in multiple mammalian species, which suggests that this missense change does not adversely affect protein function. In summary, the available evidence is currently insufficient to determine the role of this variant in disease. Therefore, it has been classified as a Variant of Uncertain Significance.